The following is an entry in ClinVar:

NM_025103.4(IFT74):c.3G>A (p.Met1Ile)

Gene: IFT74 (intraflagellar transport 74; plus strand). Cytogenetic location: 9p21.2.
Variant type: single nucleotide variant.
Coding change: c.3G>A on transcript NM_025103.4 (MANE Select); coding-DNA position 3, G replaced by A.
Protein change: p.Met1Ile; changes the start codon (methionine 1).
Molecular consequence: missense variant, initiator codon variant.
Genome position (GRCh38, 1-based): chr9:26,961,970, G>A. VCF-style: chr9-26961970-G-A. GRCh37 (hg19) VCF-style: chr9-26961968-G-A.
Other names: c.3G>A, p.Met1Ile (NM_001099222.3, NM_001099223.3, NM_001099224.3 and 1 more transcripts); short protein forms M1I.
Identifiers: ClinVar variation 2700445 (VCV002700445.3), dbSNP rs1323810293, ClinGen allele CA373119747.
Genomic context (GRCh38, chr9:26,961,970, plus strand): 5'-AGACATCAAAGGATTGAACTATTTATTGTTTCCAAACAGCGATTAAAGTGAAGAAACAAT[G>A]GCCAGCAATCACAAATCTTCAGCAGCTCGCCCTGTTTCAAGAGGTGGAGTTGGGTTAACA-3'
Protein context (NP_079379.2, residues 1-11): [Met1Ile]ASNHKSSAAR

ClinVar aggregate classification (germline): Uncertain significance (1 of 4 stars; one submission).

Allele frequency attached by ClinVar (database versions not stated): gnomAD exomes below 0.00001; TOPMed below 0.00001.

Submission:

Labcorp Genetics (formerly Invitae), Labcorp
Classification: Uncertain significance. Last evaluated: 2023-12-12. Review status: criteria provided, single submitter. Criteria: Invitae Variant Classification Sherloc (09022015). Collection method: clinical testing. Allele origin: germline.
Comment: This sequence change affects the initiator methionine of the IFT74 mRNA. The next in-frame methionine is located at codon 41. This variant is present in population databases (no rsID available, gnomAD 0.006%). This variant has not been reported in the literature in individuals affected with IFT74-related conditions. Experimental studies and prediction algorithms are not available or were not evaluated, and the functional significance of this variant is currently unknown. In summary, the available evidence is currently insufficient to determine the role of this variant in disease. Therefore, it has been classified as a Variant of Uncertain Significance.